The following is an entry in ClinVar:

ClinVar aggregate classification (germline): Uncertain significance. Review status: criteria provided, multiple submitters, no conflicts (2 of 4 stars). 3 submissions from 3 submitters: Uncertain significance (3). Last evaluated 2026-04-26.

Conditions:
Hereditary cancer-predisposing syndrome. Also called: Tumor predisposition; Hereditary neoplastic syndrome; Neoplastic Syndromes, Hereditary; Hereditary Cancer Syndrome. Identifiers: Orphanet 140162, MedGen C0027672, MeSH D009386, MONDO:0015356.
Hereditary breast ovarian cancer syndrome. Also called: Hereditary breast and ovarian cancer syndrome (HBOC); Breast and ovarian cancer; Hereditary breast and ovarian cancer syndrome; Hereditary breast and ovarian cancer; Hereditary breast and/or ovarian cancer syndrome; BRCA1- and BRCA2-Associated Hereditary Breast and Ovarian Cancer. Identifiers: Orphanet 145, MedGen C0677776, MeSH D061325, MONDO:0003582. Disease mechanism: loss of function.
Breast-ovarian cancer, familial, susceptibility to, 2 (BROVCA2). Also called: BRCA2 Hereditary Breast and Ovarian Cancer. Identifiers: Orphanet 145, MedGen C2675520, MONDO:0012933, OMIM 612555. Disease mechanism: loss of function.

Submissions (3):

Ambry Genetics
Classification: Uncertain significance for Hereditary cancer-predisposing syndrome. Last evaluated: 2026-04-26. Review status: criteria provided, single submitter. Criteria: Ambry Variant Classification Scheme 2023. Collection method: clinical testing. Allele origin: germline.
Comment: The p.E2229D variant (also known as c.6687A>T), located in coding exon 10 of the BRCA2 gene, results from an A to T substitution at nucleotide position 6687. The glutamic acid at codon 2229 is replaced by aspartic acid, an amino acid with highly similar properties. This amino acid position is conserved. In addition, the in silico prediction for this alteration is inconclusive. Based on the available evidence, the clinical significance of this variant remains unclear.

Labcorp Genetics (formerly Invitae), Labcorp
Classification: Uncertain significance for Hereditary breast ovarian cancer syndrome. Last evaluated: 2025-10-22. Review status: criteria provided, single submitter. Criteria: Invitae Variant Classification Sherloc (09022015). Collection method: clinical testing. Allele origin: germline.
Comment: This sequence change replaces glutamic acid, which is acidic and polar, with aspartic acid, which is acidic and polar, at codon 2229 of the BRCA2 protein (p.Glu2229Asp). This variant is not present in population databases (gnomAD no frequency). This variant has not been reported in the literature in individuals affected with BRCA2-related conditions. ClinVar contains an entry for this variant (Variation ID: 3071452). Invitae Evidence Modeling of protein sequence and biophysical properties (such as structural, functional, and spatial information, amino acid conservation, physicochemical variation, residue mobility, and thermodynamic stability) indicates that this missense variant is not expected to disrupt BRCA2 protein function with a negative predictive value of 95%. In summary, the available evidence is currently insufficient to determine the role of this variant in disease. Therefore, it has been classified as a Variant of Uncertain Significance.

All of Us Research Program, National Institutes of Health
Classification: Uncertain significance for Breast-ovarian cancer, familial, susceptibility to, 2. Last evaluated: 2023-06-27. Review status: criteria provided, single submitter. Criteria: ACMG Guidelines, 2015. Collection method: clinical testing. Allele origin: germline. Inheritance: Autosomal dominant inheritance. Observed: 1 variant allele, 1 heterozygote.
Comment: This study involves interpretation of variants in research participants for the purpose of population health screening. Participant phenotype was not available at the time of variant classification. Additional details can be found in publication PMID: 35346344, PMCID: PMC8962531

NM_000059.4(BRCA2):c.6687A>T (p.Glu2229Asp)

Gene: BRCA2 (BRCA2 DNA repair associated; plus strand). Cytogenetic location: 13q13.1.
Variant type: single nucleotide variant.
Coding change: c.6687A>T on transcript NM_000059.4 (MANE Select); coding-DNA position 6687, A replaced by T.
Protein change: p.Glu2229Asp; replaces glutamic acid 2229 with aspartic acid.
Molecular consequence: missense variant. On other transcripts: non-coding transcript variant (1), intron variant (2).
Genome position (GRCh38, 1-based): chr13:32,341,042, A>T. VCF-style: chr13-32341042-A-T. GRCh37 (hg19) VCF-style: chr13-32915179-A-T.
Other names: c.6687A>T, p.Glu2229Asp (NM_001406719.1, NM_001406720.1); c.1910-3516A>T (NM_001406721.1); c.425-3516A>T (NM_001406722.1); short protein forms E2229D.
Identifiers: ClinVar variation 3071452 (VCV003071452.3), dbSNP rs2072562557, ClinGen allele CA387790584.